The following is an entry in ClinVar:

NM_000038.6(APC):c.5422A>C (p.Asn1808His)

Gene: APC (APC regulator of Wnt signaling pathway; plus strand). Cytogenetic location: 5q22.2.
Variant type: single nucleotide variant.
Coding change: c.5422A>C on transcript NM_000038.6 (MANE Select); coding-DNA position 5422, A replaced by C.
Protein change: p.Asn1808His; replaces asparagine 1808 with histidine.
Molecular consequence: missense variant.
Genome position (GRCh38, 1-based): chr5:112,841,016, A>C. VCF-style: chr5-112841016-A-C. GRCh37 (hg19) VCF-style: chr5-112176713-A-C.
Other names: c.5173A>C, p.Asn1725His (NM_001407455.1, NM_001407457.1, NM_001407456.1 and 1 more transcripts); c.5119A>C, p.Asn1707His (NM_001407458.1, NM_001407459.1, NM_001407460.1 and 1 more transcripts); c.5422A>C, p.Asn1808His (NM_001127510.3, NM_001354895.2, NM_001407450.1); c.5368A>C, p.Asn1790His (NM_001127511.3); c.5476A>C, p.Asn1826His (NM_001354896.2, NM_001407447.1, NM_001407448.1 and 1 more transcripts); c.5452A>C, p.Asn1818His (NM_001354897.2); c.5347A>C, p.Asn1783His (NM_001354898.2); c.5338A>C, p.Asn1780His (NM_001354899.2); and 11 more; short protein forms N1424H, N1682H, N1717H, N1749H, N1826H, N1525H, N1679H, N1798H.
Identifiers: ClinVar variation 1747448 (VCV001747448.2), dbSNP rs533762549, ClinGen allele CA16033183.

ClinVar aggregate classification (germline): Uncertain significance (1 of 4 stars; one submission).

Conditions:
Hereditary cancer-predisposing syndrome. Also called: Hereditary Cancer Syndrome; Neoplastic Syndromes, Hereditary; Tumor predisposition; Hereditary neoplastic syndrome. Identifiers: Orphanet 140162, MedGen C0027672, MeSH D009386, MONDO:0015356.

Submission:

Ambry Genetics
Classification: Uncertain significance for Hereditary cancer-predisposing syndrome. Last evaluated: 2017-12-13. Review status: criteria provided, single submitter. Criteria: Ambry Variant Classification Scheme 2023. Collection method: clinical testing. Allele origin: germline.
Comment: The p.N1808H variant (also known as c.5422A>C), located in coding exon 15 of the APC gene, results from an A to C substitution at nucleotide position 5422. The asparagine at codon 1808 is replaced by histidine, an amino acid with similar properties. This amino acid position is not well conserved in available vertebrate species. In addition, in silico predictors for this gene do not accurately predict pathogenicity. Since supporting evidence is limited at this time, the clinical significance of this alteration remains unclear.